The following is an entry in ClinVar:

ClinVar aggregate classification (germline): Conflicting classifications of pathogenicity. Review status: criteria provided, conflicting classifications (1 of 4 stars). 2 submissions from 2 submitters: Uncertain significance (1); Likely benign (1). Last evaluated 2026-01-22.

Conditions:
Hereditary cancer-predisposing syndrome. Also called: Neoplastic Syndromes, Hereditary; Tumor predisposition; Hereditary neoplastic syndrome; Hereditary Cancer Syndrome. Identifiers: Orphanet 140162, MedGen C0027672, MeSH D009386, MONDO:0015356.

Allele frequency attached by ClinVar (database versions not stated): gnomAD 0.00001; TOPMed 0.00001; gnomAD exomes 0.00001; ExAC 0.00002.
gnomAD v4.1: 15 of 1,613,966 alleles (0.00093%); highest among the groups gnomAD compares: East Asian, 0.0067%; no homozygotes.

Submissions (2):

Ambry Genetics
Classification: Likely benign for Hereditary cancer-predisposing syndrome. Last evaluated: 2026-01-22. Review status: criteria provided, single submitter. Criteria: Ambry Variant Classification Scheme 2023. Collection method: clinical testing. Allele origin: germline.

Labcorp Genetics (formerly Invitae), Labcorp
Classification: Uncertain significance. Last evaluated: 2025-09-13. Review status: criteria provided, single submitter. Criteria: Invitae Variant Classification Sherloc (09022015). Collection method: clinical testing. Allele origin: germline.
Comment: This sequence change replaces alanine, which is neutral and non-polar, with threonine, which is neutral and polar, at codon 1140 of the POLE protein (p.Ala1140Thr). This variant is present in population databases (rs775271152, gnomAD 0.003%). This variant has not been reported in the literature in individuals affected with POLE-related conditions. ClinVar contains an entry for this variant (Variation ID: 405800). Invitae Evidence Modeling of protein sequence and biophysical properties (such as structural, functional, and spatial information, amino acid conservation, physicochemical variation, residue mobility, and thermodynamic stability) indicates that this missense variant is not expected to disrupt POLE protein function with a negative predictive value of 80%. In summary, the available evidence is currently insufficient to determine the role of this variant in disease. Therefore, it has been classified as a Variant of Uncertain Significance.

NM_006231.4(POLE):c.3418G>A (p.Ala1140Thr)

Gene: POLE (DNA polymerase epsilon, catalytic subunit; minus strand). Cytogenetic location: 12q24.33.
Variant type: single nucleotide variant.
Coding change: c.3418G>A on transcript NM_006231.4 (MANE Select); coding-DNA position 3418, G replaced by A.
Protein change: p.Ala1140Thr; replaces alanine 1140 with threonine.
Molecular consequence: missense variant.
Genome position (GRCh38, 1-based): chr12:132,657,390, C>T on the plus strand (G>A on the coding strand, the complement: POLE is on the minus strand). VCF-style: chr12-132657390-C-T. GRCh37 (hg19) VCF-style: chr12-133233976-C-T.
Other names: c.3418G>A (NM_006231.2); short protein forms A1140T.
Identifiers: ClinVar variation 405800 (VCV000405800.11), dbSNP rs775271152, ClinGen allele CA6893238.